The following is an entry in ClinVar:

NM_001232.4(CASQ2):c.320-250T>C

Gene: CASQ2 (calsequestrin 2; minus strand). Cytogenetic location: 1p13.1.
Variant type: single nucleotide variant.
Coding change: c.320-250T>C on transcript NM_001232.4 (MANE Select); 250 bases into the intron before coding-DNA position 320, T replaced by C.
Molecular consequence: intron variant.
Genome position (GRCh38, 1-based): chr1:115,741,078, A>G on the plus strand (T>C on the coding strand, the complement: CASQ2 is on the minus strand). VCF-style: chr1-115741078-A-G. GRCh37 (hg19) VCF-style: chr1-116283699-A-G.
Identifiers: ClinVar variation 678455 (VCV000678455.1), dbSNP rs7551633, ClinGen allele CA29606463.

ClinVar aggregate classification (germline): Benign (1 of 4 stars; one submission).

Allele frequency attached by ClinVar (database versions not stated): TOPMed 0.69462; 1000 Genomes Project 30x 0.64116; 1000 Genomes Project 0.64357; gnomAD 0.71128.
gnomAD v4.1: 108,167 of 152,180 alleles (71%); highest among the groups gnomAD compares: Non-Finnish European, 88%; 42,170 homozygotes.

Submission:

GeneDx
Classification: Benign. Last evaluated: 2018-06-18. Review status: criteria provided, single submitter. Criteria: GeneDx Variant Classification (06012015). Collection method: clinical testing. Allele origin: germline. Affected: yes.
Comment: This variant is considered likely benign or benign based on one or more of the following criteria: it is a conservative change, it occurs at a poorly conserved position in the protein, it is predicted to be benign by multiple in silico algorithms, and/or has population frequency not consistent with disease.